The following is an entry in ClinVar:

NM_000059.4(BRCA2):c.4260delinsAA (p.Asp1420fs)

Gene: BRCA2 (BRCA2 DNA repair associated; plus strand). Cytogenetic location: 13q13.1.
Variant type: Indel.
Coding change: c.4260delinsAA on transcript NM_000059.4 (MANE Select); coding-DNA position 4260, T replaced by AA.
Protein change: p.Asp1420fs; shifts the reading frame from aspartic acid 1420.
Molecular consequence: frameshift variant.
Genome position (GRCh38, 1-based): chr13:32,338,615, T replaced by AA. VCF-style: chr13-32338615-T-AA. GRCh37 (hg19) VCF-style: chr13-32912752-T-AA.
Other names: short protein forms D1420fs.
Identifiers: ClinVar variation 1200705 (VCV001200705.5), dbSNP rs2137504553, ClinGen allele CA2499222161.

ClinVar aggregate classification (germline): Pathogenic. Review status: criteria provided, multiple submitters, no conflicts (2 of 4 stars). 2 submissions from 2 submitters: Pathogenic (2). Last evaluated 2020-12-04.

Conditions:
Hereditary cancer-predisposing syndrome. Also called: Neoplastic Syndromes, Hereditary; Hereditary neoplastic syndrome; Hereditary Cancer Syndrome; Tumor predisposition. Identifiers: Orphanet 140162, MedGen C0027672, MeSH D009386, MONDO:0015356.

Submissions (2):

GeneDx
Classification: Pathogenic. Last evaluated: 2020-12-04. Review status: criteria provided, single submitter. Criteria: GeneDx Variant Classification Process June 2021. Collection method: clinical testing. Allele origin: germline. Affected: yes.
Comment: Frameshift variant predicted to result in protein truncation or nonsense mediated decay in a gene for which loss-of-function is a known mechanism of disease; Not observed in large population cohorts (Lek et al., 2016); Truncating variants in this gene are considered pathogenic by a well-established clinical consortium and/or database; Has not been previously published as pathogenic or benign to our knowledge

Ambry Genetics
Classification: Pathogenic for Hereditary cancer-predisposing syndrome. Last evaluated: 2017-08-09. Review status: criteria provided, single submitter. Criteria: Ambry Variant Classification Scheme 2023. Collection method: clinical testing. Allele origin: germline.
Comment: The c.4260delTinsAA pathogenic mutation, located in coding exon 10 of the BRCA2 gene, results from the deletion of one nucleotide and insertion of two nucleotides causing a translational frameshift with a predicted alternate stop codon (p.D1420Efs*3). This alteration is expected to result in loss of function by premature protein truncation or nonsense-mediated mRNA decay. As such, this alteration is interpreted as a disease-causing mutation.